The following is an entry in ClinVar:

NM_005215.4(DCC):c.1598A>G (p.Asn533Ser)

Gene: DCC (DCC netrin 1 receptor; plus strand). Cytogenetic location: 18q21.2.
Variant type: single nucleotide variant.
Coding change: c.1598A>G on transcript NM_005215.4 (MANE Select); coding-DNA position 1598, A replaced by G.
Protein change: p.Asn533Ser; replaces asparagine 533 with serine.
Molecular consequence: missense variant.
Genome position (GRCh38, 1-based): chr18:53,205,240, A>G. VCF-style: chr18-53205240-A-G. GRCh37 (hg19) VCF-style: chr18-50731610-A-G.
Other names: short protein forms N533S.
Identifiers: ClinVar variation 2691562 (VCV002691562.1), dbSNP rs2055606409, ClinGen allele CA402517257.

ClinVar aggregate classification (germline): Uncertain significance (1 of 4 stars; one submission).

Allele frequency attached by ClinVar (database versions not stated): gnomAD exomes below 0.00001; gnomAD 0.00001.
gnomAD v4.1: 4 of 1,613,314 alleles (0.00025%); highest among the groups gnomAD compares: Non-Finnish European, 0.00034%; no homozygotes.

Submission:

Women's Health and Genetics/Laboratory Corporation of America, LabCorp
Classification: Uncertain significance. Last evaluated: 2023-12-01. Review status: criteria provided, single submitter. Criteria: LabCorp Variant Classification Summary - May 2015. Collection method: clinical testing. Allele origin: germline.
Comment: Variant summary: DCC c.1598A>G (p.Asn533Ser) results in a conservative amino acid change located in the fibronectin type III domain (IPR003961) of the encoded protein sequence. Four of five in-silico tools predict a benign effect of the variant on protein function. The variant was absent in 251406 control chromosomes (gnomAD). The available data on variant occurrences in the general population are insufficient to allow any conclusion about variant significance. To our knowledge, no occurrence of c.1598A>G in individuals affected with Mirror Movements 1 and no experimental evidence demonstrating its impact on protein function have been reported. No submitters have cited clinical-significance assessments for this variant to ClinVar after 2014. Based on the evidence outlined above, the variant was classified as uncertain significance.